The following is an entry in ClinVar:

NM_006084.5(IRF9):c.952G>A (p.Glu318Lys)

Gene: IRF9 (interferon regulatory factor 9; plus strand). Cytogenetic location: 14q12.
Variant type: single nucleotide variant.
Coding change: c.952G>A on transcript NM_006084.5 (MANE Select); coding-DNA position 952, G replaced by A.
Protein change: p.Glu318Lys; replaces glutamic acid 318 with lysine.
Molecular consequence: missense variant.
Genome position (GRCh38, 1-based): chr14:24,164,916, G>A. VCF-style: chr14-24164916-G-A. GRCh37 (hg19) VCF-style: chr14-24634125-G-A.
Other names: c.979G>A, p.Glu327Lys (NM_001385400.1, NM_001385401.1); c.689G>A, p.Arg230Gln (NM_001385402.1); short protein forms E327K, R230Q, E318K.
Identifiers: ClinVar variation 2125740 (VCV002125740.5), dbSNP rs201942001, ClinGen allele CA7126583.

ClinVar aggregate classification (germline): Uncertain significance (1 of 4 stars; one submission).

Allele frequency attached by ClinVar (database versions not stated): ExAC 0.00002; ESP Exome Variant Server 0.00008.
gnomAD v4.1: 6 of 1,612,736 alleles (0.00037%); highest among the groups gnomAD compares: South Asian, 0.0011%; no homozygotes.

Submissions (2):

Labcorp Genetics (formerly Invitae), Labcorp
Classification: Uncertain significance. Last evaluated: 2024-09-01. Review status: criteria provided, single submitter. Criteria: Invitae Variant Classification Sherloc (09022015). Collection method: clinical testing. Allele origin: germline.
Comment: This sequence change replaces glutamic acid, which is acidic and polar, with lysine, which is basic and polar, at codon 318 of the IRF9 protein (p.Glu318Lys). This variant is present in population databases (rs201942001, gnomAD 0.002%). This variant has not been reported in the literature in individuals affected with IRF9-related conditions. ClinVar contains an entry for this variant (Variation ID: 2125740). An algorithm developed to predict the effect of missense changes on protein structure and function outputs the following: PolyPhen-2: "Benign". The lysine amino acid residue is found in multiple mammalian species, which suggests that this missense change does not adversely affect protein function. In summary, the available evidence is currently insufficient to determine the role of this variant in disease. Therefore, it has been classified as a Variant of Uncertain Significance.

Dr. Peter K. Rogan Lab, Western University
No classification provided (evidence only). Condition: Uterine corpus endometrial carcinoma. Review status: no classification provided. Collection method: in vitro. Allele origin: not applicable. Functional consequence: retained intron. Not counted in ClinVar's aggregate classification.